The following is an entry in ClinVar:

NM_001184.4(ATR):c.2545A>G (p.Arg849Gly)

Gene: ATR (ATR checkpoint kinase; minus strand). Cytogenetic location: 3q23.
Variant type: single nucleotide variant.
Coding change: c.2545A>G on transcript NM_001184.4 (MANE Select); coding-DNA position 2545, A replaced by G.
Protein change: p.Arg849Gly; replaces arginine 849 with glycine.
Molecular consequence: missense variant.
Genome position (GRCh38, 1-based): chr3:142,553,728, T>C on the plus strand (A>G on the coding strand, the complement: ATR is on the minus strand). VCF-style: chr3-142553728-T-C. GRCh37 (hg19) VCF-style: chr3-142272570-T-C.
Other names: c.2353A>G, p.Arg785Gly (NM_001354579.2); short protein forms R785G, R849G.
Identifiers: ClinVar variation 3640353 (VCV003640353.2).
Genomic context (GRCh38, chr3:142,553,728, plus strand): 5'-AGGTATCCTTCAGCTCATTATTTCTTGATATTTGGGCATGTGTATATGCTTCCTTCATTC[T>C]TAAGACAAAAAGCTAGAACAATAAAATTAACTGGTTAAAGAAATTTTTAGAGCTAGGTTG-3'
Protein context (NP_001175.2, residues 839-859): DGFIKELFVL[Arg849Gly]MKEAYTHAQI

ClinVar aggregate classification (germline): Uncertain significance (1 of 4 stars; one submission).

Submission:

Labcorp Genetics (formerly Invitae), Labcorp
Classification: Uncertain significance. Last evaluated: 2024-02-12. Review status: criteria provided, single submitter. Criteria: Invitae Variant Classification Sherloc (09022015). Collection method: clinical testing. Allele origin: germline.
Comment: This sequence change replaces arginine, which is basic and polar, with glycine, which is neutral and non-polar, at codon 849 of the ATR protein (p.Arg849Gly). This variant is not present in population databases (gnomAD no frequency). This variant has not been reported in the literature in individuals affected with ATR-related conditions. An algorithm developed to predict the effect of missense changes on protein structure and function (PolyPhen-2) suggests that this variant is likely to be disruptive. In summary, the available evidence is currently insufficient to determine the role of this variant in disease. Therefore, it has been classified as a Variant of Uncertain Significance.